The following is an entry in ClinVar:

ClinVar aggregate classification (germline): Uncertain significance (1 of 4 stars; one submission).

Submission:

Labcorp Genetics (formerly Invitae), Labcorp
Classification: Uncertain significance. Last evaluated: 2022-10-13. Review status: criteria provided, single submitter. Criteria: Invitae Variant Classification Sherloc (09022015). Collection method: clinical testing. Allele origin: germline.
Comment: In summary, the available evidence is currently insufficient to determine the role of this variant in disease. Therefore, it has been classified as a Variant of Uncertain Significance. Algorithms developed to predict the effect of missense changes on protein structure and function are either unavailable or do not agree on the potential impact of this missense change (SIFT: "Deleterious"; PolyPhen-2: "Probably Damaging"; Align-GVGD: "Class C0"). This variant has not been reported in the literature in individuals affected with MSH3-related conditions. This variant is not present in population databases (gnomAD no frequency). This sequence change replaces phenylalanine, which is neutral and non-polar, with leucine, which is neutral and non-polar, at codon 1007 of the MSH3 protein (p.Phe1007Leu).

NM_002439.5(MSH3):c.3021T>A (p.Phe1007Leu)

Gene: MSH3 (mutS homolog 3; plus strand). Cytogenetic location: 5q14.1.
Variant type: single nucleotide variant.
Coding change: c.3021T>A on transcript NM_002439.5 (MANE Select); coding-DNA position 3021, T replaced by A.
Protein change: p.Phe1007Leu; replaces phenylalanine 1007 with leucine.
Molecular consequence: missense variant.
Genome position (GRCh38, 1-based): chr5:80,864,833, T>A. VCF-style: chr5-80864833-T-A. GRCh37 (hg19) VCF-style: chr5-80160652-T-A.
Other names: short protein forms F1007L.
Identifiers: ClinVar variation 2045242 (VCV002045242.4), dbSNP rs2478789026, ClinGen allele CA360346102.